The following is an entry in ClinVar:

ClinVar aggregate classification (germline): Uncertain significance. Review status: criteria provided, multiple submitters, no conflicts (2 of 4 stars). 2 submissions from 2 submitters: Uncertain significance (2). Last evaluated 2025-10-17.

Conditions:
Inborn genetic diseases. Identifiers: MedGen C0950123, MeSH D030342.

gnomAD v4.1: 1 of 1,613,976 alleles (0.000062%); highest among the groups gnomAD compares: South Asian, 0.0011%; no homozygotes.

Submissions (2):

Ambry Genetics
Classification: Uncertain significance for Inborn genetic diseases. Last evaluated: 2025-10-17. Review status: criteria provided, single submitter. Criteria: Ambry Variant Classification Scheme 2023. Collection method: clinical testing. Allele origin: germline.

GeneDx
Classification: Uncertain significance. Last evaluated: 2024-04-23. Review status: criteria provided, single submitter. Criteria: GeneDx Variant Classification Process June 2021. Collection method: clinical testing. Allele origin: germline. Affected: yes.
Comment: Not observed at significant frequency in large population cohorts (gnomAD); In silico analysis supports that this missense variant has a deleterious effect on protein structure/function; Has not been previously published as pathogenic or benign to our knowledge

NM_139343.3(BIN1):c.765G>T (p.Glu255Asp)

Gene: BIN1 (bridging integrator 1; minus strand). Cytogenetic location: 2q14.3.
Variant type: single nucleotide variant.
Coding change: c.765G>T on transcript NM_139343.3 (MANE Select); coding-DNA position 765, G replaced by T.
Protein change: p.Glu255Asp; replaces glutamic acid 255 with aspartic acid.
Molecular consequence: missense variant.
Genome position (GRCh38, 1-based): chr2:127,063,580, C>A on the plus strand (G>T on the coding strand, the complement: BIN1 is on the minus strand). VCF-style: chr2-127063580-C-A. GRCh37 (hg19) VCF-style: chr2-127821156-C-A.
Other names: c.672G>T, p.Glu224Asp (NM_001320632.2, NM_001320641.2, NM_004305.4 and 6 more transcripts); c.765G>T, p.Glu255Asp (NM_001320633.2, NM_001320640.2, NM_139344.3 and 1 more transcripts); c.600G>T, p.Glu200Asp (NM_001320634.1); c.684G>T, p.Glu228Asp (NM_001320642.1); short protein forms E200D, E224D, E228D, E255D.
Identifiers: ClinVar variation 3372758 (VCV003372758.2).
Genomic context (GRCh38, chr2:127,063,580, plus strand): 5'-ACCCTCGGCCAGGGTGGGGTGTGGCCCCTCAGAGGGGTCCCCATGGCCTACCTTGCTCAT[C>A]TCCTTGTGGAAGTTTTCCTCCAGGCCCGCGATGCTCTGGAACGTGTTGACGTAGAAACCT-3'
Protein context (NP_647593.1, residues 245-265): IAGLEENFHK[Glu255Asp]MSKLNQNLND